The following is an entry in ClinVar:

NM_006846.4(SPINK5):c.1525dup (p.Ile509fs)

Gene: SPINK5 (serine peptidase inhibitor Kazal type 5; plus strand). Cytogenetic location: 5q32.
Variant type: Duplication.
Coding change: c.1525dup on transcript NM_006846.4 (MANE Select); coding-DNA position 1525, one base duplicated (A; older notation c.1525dupA).
Protein change: p.Ile509fs; shifts the reading frame from isoleucine 509.
Molecular consequence: frameshift variant.
Genome position (GRCh38, 1-based): chr5:148,107,082, A duplicated. VCF-style (leftmost placement, unchanged base first): chr5-148107081-T-TA. GRCh37 (hg19) VCF-style: chr5-147486644-T-TA.
Other names: c.1525dup, p.Ile509fs (NM_001127698.2, NM_001127699.2); short protein forms I509fs.
Identifiers: ClinVar variation 3341293 (VCV003341293.2).
Genomic context (GRCh38, chr5:148,107,081, plus strand): 5'-TTTCTTCATTTCCCAGGAAATCTGCAGTGAATTTCGGGACCAAGTGAGGAATGGAACACT[T>TA]ATATGCACCAGGGAGCATAATCCTGTCCGTGGCCCAGATGGCAAAATGCATGGAAACAAG-3'

ClinVar aggregate classification (germline): Pathogenic (1 of 4 stars; one submission).

Conditions:
Netherton syndrome (NETH). Also called: NETHERTON DISEASE; ERYTHRODERMA, ICHTHYOSIFORM, WITH HYPOTRICHOSIS AND HYPER-IgE; COMEL-NETHERTON SYNDROME. Identifiers: Orphanet 634, MedGen C5574950, MONDO:0009735, OMIM 256500.

Submission:

Kasturba Medical College, Manipal, Kasturba Medical College, Manipal, Manipal Academy of Higher Education, Manipal, India
Classification: Pathogenic for Netherton syndrome. Review status: criteria provided, single submitter. Criteria: ACMG Guidelines, 2015. Collection method: clinical testing. Allele origin: paternal. Inheritance: Autosomal recessive inheritance. Affected: yes. Observed: 1 compound heterozygote.
Comment: The paternally inherited frameshift variant c.1525dup, is not found in the gnomAD database (v4.1.0) or in our in-house database of 3326 exomes. In-silico analysis tool (MutationTaster, SIFT-Indel) predicts that this variant affects SPINK5 translation. This variant is predicted to result in a shift in the reading frame, which results in premature termination which is likely to result in either truncated protein or nonsense-mediated mRNA decay.